The following is an entry in ClinVar:

NM_014065.4(ASTE1):c.1708C>T (p.Arg570Ter)

Genes: ASTE1 (asteroid structure-specific endonuclease 1; minus strand), ATP2C1 (ATPase secretory pathway Ca2+ transporting 1; plus strand). Cytogenetic location: 3q22.1.
Variant type: single nucleotide variant.
Coding change: c.1708C>T on transcript NM_014065.4 (MANE Select); coding-DNA position 1708, C replaced by T.
Protein change: p.Arg570Ter; replaces arginine 570 with a stop codon.
Molecular consequence: nonsense. On other transcripts: intron variant (11), missense variant (1), non-coding transcript variant (1).
Genome position (GRCh38, 1-based): chr3:131,016,145, G>A on the plus strand (C>T on the coding strand, the complement: ASTE1 is on the minus strand). VCF-style: chr3-131016145-G-A. GRCh37 (hg19) VCF-style: chr3-130734989-G-A.
Other names: c.2857-7G>A (NM_001378511.1); c.2827-7G>A (NM_001199180.2); c.2740-7G>A (NM_001199182.2); c.2755-7G>A (NM_001001486.2, NM_001378512.1); c.2725-7G>A (NM_001001487.2, NM_001378513.1); c.2630-7G>A (NM_001001485.3, NM_001199185.2); c.2707-7G>A (NM_001378514.1); c.2677-7G>A (NM_001199183.2); and 1 more; short protein forms R570*, R570C.
Identifiers: ClinVar variation 3048711 (VCV003048711.2), dbSNP rs764105911, ClinGen allele CA2615561.

ClinVar aggregate classification (germline): Likely benign (0 of 4 stars; one submission).

Conditions:
ASTE1-related disorder. Also called: ASTE1-related condition.

Allele frequency attached by ClinVar (database versions not stated): ExAC 0.00002; gnomAD exomes 0.00001.
gnomAD v4.1: 23 of 1,613,342 alleles (0.0014%); highest among the groups gnomAD compares: Admixed American, 0.005%; no homozygotes.

Submission:

PreventionGenetics, part of Exact Sciences
Classification: Likely benign for ASTE1-related condition. Last evaluated: 2019-12-18. Review status: no assertion criteria provided. Collection method: clinical testing. Allele origin: germline.
Comment: This variant is classified as likely benign based on ACMG/AMP sequence variant interpretation guidelines (Richards et al. 2015 PMID: 25741868, with internal and published modifications).